The following is an entry in ClinVar:

NM_000243.3(MEFV):c.1759+6T>G

Genes: MEFV (MEFV innate immunity regulator, pyrin; minus strand), LOC126862264 (CDK7 strongly-dependent group 2 enhancer GRCh37_chr16:3293322-3294521; plus strand). Cytogenetic location: 16p13.3.
Variant type: single nucleotide variant.
Coding change: c.1759+6T>G on transcript NM_000243.3 (MANE Select); 6 bases into the intron after coding-DNA position 1759, T replaced by G.
Molecular consequence: intron variant.
Genome position (GRCh38, 1-based): chr16:3,244,248, A>C on the plus strand (T>G on the coding strand, the complement: MEFV is on the minus strand). VCF-style: chr16-3244248-A-C. GRCh37 (hg19) VCF-style: chr16-3294248-A-C.
Other names: c.1126+6T>G (NM_001198536.2).
Identifiers: ClinVar variation 4807625 (VCV004807625.1).
Genomic context (GRCh38, chr16:3,244,248, plus strand): 5'-AGTCAACAGCACAAGGGAACACTGCAACAACCCCAGGCCAGCACACACCATTACCGCTGG[A>C]CTCACCATTGAACATTTCCATTTCTGAACGCAGGGTTTCTAAAATGTGGGAAAGGGAGCA-3'

ClinVar aggregate classification (germline): Uncertain significance (1 of 4 stars; one submission).

Conditions:
Familial Mediterranean fever (FMF). Also called: POLYSEROSITIS, FAMILIAL PAROXYSMAL; POLYSEROSITIS, RECURRENT; Periodic peritonitis; Benign paroxysmal peritonitis. Identifiers: Orphanet 342, MedGen C0031069, MONDO:0018088, OMIM 249100. Disease mechanism: gain of function.

Submission:

Labcorp Genetics (formerly Invitae), Labcorp
Classification: Uncertain significance for Familial Mediterranean fever. Last evaluated: 2025-12-03. Review status: criteria provided, single submitter. Criteria: Invitae Variant Classification Sherloc (09022015). Collection method: clinical testing. Allele origin: germline.
Comment: This sequence change falls in intron 8 of the MEFV gene. It does not directly change the encoded amino acid sequence of the MEFV protein. It affects a nucleotide within the consensus splice site. This variant is not present in population databases (gnomAD no frequency). This variant has not been reported in the literature in individuals affected with MEFV-related conditions. Variants that disrupt the consensus splice site are a relatively common cause of aberrant splicing (PMID: 17576681, 9536098). Algorithms developed to predict the effect of sequence changes on RNA splicing suggest that this variant may disrupt the consensus splice site. In summary, the available evidence is currently insufficient to determine the role of this variant in disease. Therefore, it has been classified as a Variant of Uncertain Significance.

Literature cited by the submitters: PubMed 17576681; PubMed 9536098.